The following is an entry in ClinVar:

NM_020812.4(DOCK6):c.100C>A (p.His34Asn)

Gene: DOCK6 (dedicator of cytokinesis 6; minus strand). Cytogenetic location: 19p13.2.
Variant type: single nucleotide variant.
Coding change: c.100C>A on transcript NM_020812.4 (MANE Select); coding-DNA position 100, C replaced by A.
Protein change: p.His34Asn; replaces histidine 34 with asparagine.
Molecular consequence: missense variant.
Genome position (GRCh38, 1-based): chr19:11,253,671, G>T on the plus strand (C>A on the coding strand, the complement: DOCK6 is on the minus strand). VCF-style: chr19-11253671-G-T. GRCh37 (hg19) VCF-style: chr19-11364347-G-T.
Other names: c.100C>A, p.His34Asn (NM_001367830.1); c.100C>A (NM_020812.2); short protein forms H34N.
Identifiers: ClinVar variation 1431845 (VCV001431845.8), dbSNP rs201065561, ClinGen allele CA9208638.

ClinVar aggregate classification (germline): Uncertain significance. Review status: criteria provided, multiple submitters, no conflicts (2 of 4 stars). 2 submissions from 2 submitters: Uncertain significance (2). Last evaluated 2024-12-03.

Conditions:
Inborn genetic diseases. Identifiers: MedGen C0950123, MeSH D030342.

gnomAD v4.1: 152 of 1,463,398 alleles (0.01%); highest among the groups gnomAD compares: Admixed American, 0.062%; no homozygotes.

Submissions (2):

Labcorp Genetics (formerly Invitae), Labcorp
Classification: Uncertain significance. Last evaluated: 2024-12-03. Review status: criteria provided, single submitter. Criteria: Invitae Variant Classification Sherloc (09022015). Collection method: clinical testing. Allele origin: germline.
Comment: This sequence change replaces histidine, which is basic and polar, with asparagine, which is neutral and polar, at codon 34 of the DOCK6 protein (p.His34Asn). The frequency data for this variant in the population databases is considered unreliable, as metrics indicate poor data quality at this position in the gnomAD database. This variant has not been reported in the literature in individuals affected with DOCK6-related conditions. ClinVar contains an entry for this variant (Variation ID: 1431845). An algorithm developed to predict the effect of missense changes on protein structure and function (PolyPhen-2) suggests that this variant¬†is likely to be tolerated. In summary, the available evidence is currently insufficient to determine the role of this variant in disease. Therefore, it has been classified as a Variant of Uncertain Significance.

Ambry Genetics
Classification: Uncertain significance for Inborn genetic diseases. Last evaluated: 2024-08-04. Review status: criteria provided, single submitter. Criteria: Ambry Variant Classification Scheme 2023. Collection method: clinical testing. Allele origin: germline.

Literature cited by the submitters: PubMed 25824905 (cited by Ambry Genetics).